The following is an entry in ClinVar:

NM_001267550.2(TTN):c.20670G>A (p.Glu6890=)

Gene: TTN (titin; minus strand). Cytogenetic location: 2q31.2.
Variant type: single nucleotide variant.
Coding change: c.20670G>A on transcript NM_001267550.2 (MANE Select); coding-DNA position 20670, G replaced by A.
Protein change: p.Glu6890=; no amino-acid change (glutamic acid 6890 retained).
Molecular consequence: synonymous variant. On other transcripts: intron variant (3).
Genome position (GRCh38, 1-based): chr2:178,725,534, C>T on the plus strand (G>A on the coding strand, the complement: TTN is on the minus strand). VCF-style: chr2-178725534-C-T. GRCh37 (hg19) VCF-style: chr2-179590261-C-T.
Other names: c.19719G>A, p.Glu6573= (NM_001256850.1); c.16938G>A, p.Glu5646= (NM_133378.4); c.13282+12548G>A (NM_003319.4); c.13858+12548G>A (NM_133437.4); c.13657+12548G>A (NM_133432.3).
Identifiers: ClinVar variation 517916 (VCV000517916.9), dbSNP rs1553915541, ClinGen allele CA430290611.

ClinVar aggregate classification (germline): Likely benign. Review status: criteria provided, multiple submitters, no conflicts (2 of 4 stars). 2 submissions from 2 submitters: Likely benign (2). Last evaluated 2021-10-03.

Conditions:
Dilated cardiomyopathy 1G (CMD1G). Identifiers: Orphanet 154, MedGen C1858763, MONDO:0011400, OMIM 604145.
Autosomal recessive limb-girdle muscular dystrophy type 2J (LGMDR10). Also called: Limb-girdle muscular dystrophy, type 2J; MUSCULAR DYSTROPHY, LIMB-GIRDLE, AUTOSOMAL RECESSIVE 10. Identifiers: Orphanet 140922, MedGen C1837342, MONDO:0012127, OMIM 608807.

Allele frequency attached by ClinVar (database versions not stated): gnomAD exomes below 0.00001.
gnomAD v4.1: 1 of 1,613,210 alleles (0.000062%); highest among the groups gnomAD compares: Non-Finnish European, 0.000085%; no homozygotes.

Submissions (2):

Labcorp Genetics (formerly Invitae), Labcorp
Classification: Likely benign for Dilated cardiomyopathy 1G; Autosomal recessive limb-girdle muscular dystrophy type 2J. Last evaluated: 2021-10-03. Review status: criteria provided, single submitter. Criteria: Invitae Variant Classification Sherloc (09022015). Collection method: clinical testing. Allele origin: germline.

GeneDx
Classification: Likely benign. Last evaluated: 2017-06-06. Review status: criteria provided, single submitter. Criteria: GeneDx Variant Classification (06012015). Collection method: clinical testing. Allele origin: germline. Affected: yes.
Comment: This variant is considered likely benign or benign based on one or more of the following criteria: it is a conservative change, it occurs at a poorly conserved position in the protein, it is predicted to be benign by multiple in silico algorithms, and/or has population frequency not consistent with disease.